The following is an entry in ClinVar:

ClinVar aggregate classification (germline): Likely pathogenic (1 of 4 stars; one submission).

Conditions:
GIGYF1-related disorder. Also called: GIGYF1-related condition.

Submission:

PreventionGenetics, part of Exact Sciences
Classification: Likely pathogenic for GIGYF1-related condition. Last evaluated: 2023-07-13. Review status: criteria provided, single submitter. Criteria: ACMG Guidelines, 2015. Collection method: clinical testing. Allele origin: germline.
Comment: The GIGYF1 c.1171A>T variant is predicted to result in premature protein termination (p.Lys391*). To our knowledge, this variant has not been reported in the literature or in a large population database, indicating this variant is rare. Nonsense variants in GIGYF1 are expected to be pathogenic. This variant is interpreted as likely pathogenic.

NM_001375765.1(GIGYF1):c.1171A>T (p.Lys391Ter)

Gene: GIGYF1 (GRB10 interacting GYF protein 1; minus strand). Cytogenetic location: 7q22.1.
Variant type: single nucleotide variant.
Coding change: c.1171A>T on transcript NM_001375765.1 (MANE Select); coding-DNA position 1171, A replaced by T.
Protein change: p.Lys391Ter; replaces lysine 391 with a stop codon.
Molecular consequence: nonsense. On other transcripts: non-coding transcript variant (1).
Genome position (GRCh38, 1-based): chr7:100,685,365, T>A on the plus strand (A>T on the coding strand, the complement: GIGYF1 is on the minus strand). VCF-style: chr7-100685365-T-A. GRCh37 (hg19) VCF-style: chr7-100282988-T-A.
Other names: NM_022574.4:c.1171A>T; c.1171A>T, p.Lys391Ter (NM_001375759.1, NM_001375760.1, NM_001375761.1 and 6 more transcripts); short protein forms K391*.
Identifiers: ClinVar variation 2632232 (VCV002632232.1), dbSNP rs2486260795, ClinGen allele CA368540877.